The following is an entry in ClinVar:

NM_004370.6(COL12A1):c.8649A>C (p.Pro2883=)

Gene: COL12A1 (collagen type XII alpha 1 chain; minus strand). Cytogenetic location: 6q13.
Variant type: single nucleotide variant.
Coding change: c.8649A>C on transcript NM_004370.6 (MANE Select); coding-DNA position 8649, A replaced by C.
Protein change: p.Pro2883=; no amino-acid change (proline 2883 retained).
Molecular consequence: synonymous variant.
Genome position (GRCh38, 1-based): chr6:75,095,108, T>G on the plus strand (A>C on the coding strand, the complement: COL12A1 is on the minus strand). VCF-style: chr6-75095108-T-G. GRCh37 (hg19) VCF-style: chr6-75804824-T-G.
Other names: c.5157A>C, p.Pro1719= (NM_080645.3).
Identifiers: ClinVar variation 967020 (VCV000967020.12), dbSNP rs900917198, ClinGen allele CA141002186.

ClinVar aggregate classification (germline): Conflicting classifications of pathogenicity. Review status: criteria provided, conflicting classifications (1 of 4 stars). 2 submissions from 2 submitters: Uncertain significance (1); Likely benign (1). Last evaluated 2026-08-01.

Conditions:
Ullrich congenital muscular dystrophy 2 (UCMD2). Identifiers: Orphanet 75840, MedGen C4225314, MONDO:0014654, OMIM 616470.
Bethlem myopathy 2 (BTHLM2). Identifiers: Orphanet 536516, Orphanet 610, MedGen C4225313, MONDO:0034022, OMIM 616471.

Allele frequency attached by ClinVar (database versions not stated): gnomAD exomes below 0.00001; gnomAD 0.00001 and 0.00003; TOPMed 0.00003.
gnomAD v4.1: 10 of 1,613,878 alleles (0.00062%); highest among the groups gnomAD compares: Admixed American, 0.005%; no homozygotes.

Submissions (3):

CeGaT Center for Human Genetics Tuebingen
Classification: Likely benign. Last evaluated: 2026-08-01. Review status: criteria provided, single submitter. Criteria: CeGaT Center For Human Genetics Tuebingen Variant Classification Criteria Version 2. Collection method: clinical testing. Allele origin: germline. Affected: yes. Observed: 1 variant allele.
Comment: COL12A1: BP4, BP7

Labcorp Genetics (formerly Invitae), Labcorp
Classification: Uncertain significance for Bethlem myopathy 2; Ullrich congenital muscular dystrophy 2. Last evaluated: 2025-12-14. Review status: criteria provided, single submitter. Criteria: Invitae Variant Classification Sherloc (09022015). Collection method: clinical testing. Allele origin: germline.
Comment: This sequence change affects codon 2883 of the COL12A1 mRNA. It is a 'silent' change, meaning that it does not change the encoded amino acid sequence of the COL12A1 protein. It affects a nucleotide within the consensus splice site. This variant is present in population databases (no rsID available, gnomAD 0.003%). This variant has not been reported in the literature in individuals affected with COL12A1-related conditions. ClinVar contains an entry for this variant (Variation ID: 967020). Algorithms developed to predict the effect of sequence changes on RNA splicing suggest that this variant is not likely to affect RNA splicing. In summary, the available evidence is currently insufficient to determine the role of this variant in disease. Therefore, it has been classified as a Variant of Uncertain Significance.

Dr. Peter K. Rogan Lab, Western University
No classification provided (evidence only). Condition: Cervical cancer. Review status: no classification provided. Collection method: in vitro. Allele origin: not applicable. Functional consequence: retained intron. Not counted in ClinVar's aggregate classification.